The following is an entry in ClinVar:

ClinVar aggregate classification (germline): Conflicting classifications of pathogenicity. Review status: criteria provided, conflicting classifications (1 of 4 stars). 2 submissions from 2 submitters: Uncertain significance (1); Likely benign (1). Last evaluated 2024-08-08.

gnomAD v4.1: 9 of 1,614,056 alleles (0.00056%); highest among the groups gnomAD compares: Middle Eastern, 0.016%; no homozygotes.

Submissions (2):

Blueprint Genetics
Classification: Likely benign. Last evaluated: 2024-08-08. Review status: criteria provided, single submitter. Criteria: ACMG Guidelines, 2015. Collection method: clinical testing. Allele origin: germline.

Mayo Clinic Laboratories, Mayo Clinic
Classification: Uncertain significance. Last evaluated: 2023-08-28. Review status: criteria provided, single submitter. Criteria: ACMG Guidelines, 2015. Collection method: clinical testing. Allele origin: germline. Observed: 1 variant allele.
Comment: BP4_strong

NM_001114134.2(EPB42):c.1408G>A (p.Glu470Lys)

Gene: EPB42 (erythrocyte membrane protein band 4.2; minus strand). Cytogenetic location: 15q15.2.
Variant type: single nucleotide variant.
Coding change: c.1408G>A on transcript NM_001114134.2 (MANE Select); coding-DNA position 1408, G replaced by A.
Protein change: p.Glu470Lys; replaces glutamic acid 470 with lysine.
Molecular consequence: missense variant.
Genome position (GRCh38, 1-based): chr15:43,206,540, C>T on the plus strand (G>A on the coding strand, the complement: EPB42 is on the minus strand). VCF-style: chr15-43206540-C-T. GRCh37 (hg19) VCF-style: chr15-43498738-C-T.
Other names: p.Glu500Lys; c.1498G>A, p.Glu500Lys (NM_000119.3); short protein forms E470K, E500K.
Identifiers: ClinVar variation 3380268 (VCV003380268.2).